The following is an entry in ClinVar:

NM_001387430.1(SH2B1):c.1794C>T (p.Phe598=)

Gene: SH2B1 (SH2B adaptor protein 1; plus strand). Cytogenetic location: 16p11.2.
Variant type: single nucleotide variant.
Coding change: c.1794C>T on transcript NM_001387430.1 (MANE Select); coding-DNA position 1794, C replaced by T.
Protein change: p.Phe598=; no amino-acid change (phenylalanine 598 retained).
Molecular consequence: synonymous variant.
Genome position (GRCh38, 1-based): chr16:28,872,602, C>T. VCF-style: chr16-28872602-C-T. GRCh37 (hg19) VCF-style: chr16-28883923-C-T.
Other names: c.1794C>T, p.Phe598= (NM_001145795.2, NM_001145796.2, NM_001145797.2 and 4 more transcripts); c.786C>T, p.Phe262= (NM_001308294.2).
Identifiers: ClinVar variation 4981928 (VCV004981928.1).

ClinVar aggregate classification (germline): Likely benign (1 of 4 stars; one submission).

Conditions:
SH2B1-related disorder. Also called: SH2B1-related condition.

gnomAD v4.1: 14 of 1,614,066 alleles (0.00087%); highest among the groups gnomAD compares: South Asian, 0.0033%; no homozygotes.

Submission:

PreventionGenetics, part of Exact Sciences
Classification: Likely benign for SH2B1-related condition. Last evaluated: 2024-11-18. Review status: criteria provided, single submitter. Criteria: ACMG Guidelines, 2015. Collection method: clinical testing. Allele origin: germline.
Comment: This variant is classified as likely benign based on ACMG/AMP sequence variant interpretation guidelines (Richards et al. 2015 PMID: 25741868, with internal and published modifications).